The following is an entry in ClinVar:

ClinVar aggregate classification (germline): Uncertain significance. Review status: criteria provided, multiple submitters, no conflicts (2 of 4 stars). 3 submissions from 3 submitters: Uncertain significance (3). Last evaluated 2024-11-08.

Conditions:
Inborn genetic diseases. Identifiers: MedGen C0950123, MeSH D030342.

Allele frequency attached by ClinVar (database versions not stated): gnomAD exomes 0.00001; TOPMed 0.00002; ExAC 0.00003; gnomAD 0.00007.

Submissions (3):

Blueprint Genetics
Classification: Uncertain significance. Last evaluated: 2024-11-08. Review status: criteria provided, single submitter. Criteria: ACMG Guidelines, 2015. Collection method: clinical testing. Allele origin: germline.

Mayo Clinic Laboratories, Mayo Clinic
Classification: Uncertain significance. Last evaluated: 2022-07-11. Review status: criteria provided, single submitter. Criteria: ACMG Guidelines, 2015. Collection method: clinical testing. Allele origin: germline. Observed: 1 variant allele.
Comment: PM2

Ambry Genetics
Classification: Uncertain significance for Inborn genetic diseases. Last evaluated: 2021-08-12. Review status: criteria provided, single submitter. Criteria: Ambry Variant Classification Scheme 2023. Collection method: clinical testing. Allele origin: germline.

NM_152783.5(D2HGDH):c.1261C>T (p.Arg421Cys)

Gene: D2HGDH (D-2-hydroxyglutarate dehydrogenase; plus strand). Cytogenetic location: 2q37.3.
Variant type: single nucleotide variant.
Coding change: c.1261C>T on transcript NM_152783.5 (MANE Select); coding-DNA position 1261, C replaced by T.
Protein change: p.Arg421Cys; replaces arginine 421 with cysteine.
Molecular consequence: missense variant. On other transcripts: non-coding transcript variant (1).
Genome position (GRCh38, 1-based): chr2:241,755,969, C>T. VCF-style: chr2-241755969-C-T. GRCh37 (hg19) VCF-style: chr2-242695384-C-T.
Other names: p.Arg421Cys; c.1261C>T (NM_152783.3); c.859C>T, p.Arg287Cys (NM_001287249.2); c.700C>T, p.Arg234Cys (NM_001352824.2); short protein forms R234C, R287C, R421C.
Identifiers: ClinVar variation 2682825 (VCV002682825.3), dbSNP rs368695748, ClinGen allele CA2222140.